The following is an entry in ClinVar:

ClinVar aggregate classification (germline): Uncertain significance. Review status: criteria provided, multiple submitters, no conflicts (2 of 4 stars). 2 submissions from 2 submitters: Uncertain significance (2). Last evaluated 2025-02-08.

Conditions:
Neurofibromatosis, type 2 (SWNV). Also called: BILATERAL ACOUSTIC NEUROFIBROMATOSIS; SCHWANNOMATOSIS, VESTIBULAR; NF2-Related Schwannomatosis. Identifiers: Orphanet 637, MedGen C0027832, MONDO:0007039, OMIM 101000. Disease mechanism: loss of function.
Hereditary cancer-predisposing syndrome. Also called: Neoplastic Syndromes, Hereditary; Tumor predisposition; Hereditary Cancer Syndrome; Hereditary neoplastic syndrome. Identifiers: Orphanet 140162, MedGen C0027672, MeSH D009386, MONDO:0015356.

Submissions (2):

Ambry Genetics
Classification: Uncertain significance for Hereditary cancer-predisposing syndrome. Last evaluated: 2025-02-08. Review status: criteria provided, single submitter. Criteria: Ambry Variant Classification Scheme 2023. Collection method: clinical testing. Allele origin: germline.
Comment: The p.A367T variant (also known as c.1099G>A), located in coding exon 11 of the NF2 gene, results from a G to A substitution at nucleotide position 1099. The alanine at codon 367 is replaced by threonine, an amino acid with similar properties. This amino acid position is conserved. In addition, the in silico prediction for this alteration is inconclusive. Based on the available evidence, the clinical significance of this variant remains unclear.

Labcorp Genetics (formerly Invitae), Labcorp
Classification: Uncertain significance for Neurofibromatosis, type 2. Last evaluated: 2024-04-11. Review status: criteria provided, single submitter. Criteria: Invitae Variant Classification Sherloc (09022015). Collection method: clinical testing. Allele origin: germline.
Comment: This sequence change replaces alanine, which is neutral and non-polar, with threonine, which is neutral and polar, at codon 367 of the NF2 protein (p.Ala367Thr). This variant is not present in population databases (gnomAD no frequency). This variant has not been reported in the literature in individuals affected with NF2-related conditions. Advanced modeling of protein sequence and biophysical properties (such as structural, functional, and spatial information, amino acid conservation, physicochemical variation, residue mobility, and thermodynamic stability) performed at Invitae indicates that this missense variant is not expected to disrupt NF2 protein function with a negative predictive value of 80%. In summary, the available evidence is currently insufficient to determine the role of this variant in disease. Therefore, it has been classified as a Variant of Uncertain Significance.

NM_000268.4(NF2):c.1099G>A (p.Ala367Thr)

Gene: NF2 (NF2, moesin-ezrin-radixin like (MERLIN) tumor suppressor; plus strand). Cytogenetic location: 22q12.2.
Variant type: single nucleotide variant.
Coding change: c.1099G>A on transcript NM_000268.4 (MANE Select); coding-DNA position 1099, G replaced by A.
Protein change: p.Ala367Thr; replaces alanine 367 with threonine.
Molecular consequence: missense variant. On other transcripts: intron variant (1).
Genome position (GRCh38, 1-based): chr22:29,671,925, G>A. VCF-style: chr22-29671925-G-A. GRCh37 (hg19) VCF-style: chr22-30067914-G-A.
Other names: c.985G>A, p.Ala329Thr (NM_001407053.1, NM_001407056.1); c.976G>A, p.Ala326Thr (NM_001407054.1, NM_001407058.1, NM_181829.3); c.973G>A, p.Ala325Thr (NM_001407055.1, NM_181828.3); c.964G>A, p.Ala322Thr (NM_001407057.1, NM_001407059.1); c.1099G>A, p.Ala367Thr (NM_001407060.1, NM_001407066.1, NM_016418.5 and 2 more transcripts); c.841G>A, p.Ala281Thr (NM_001407062.1); c.850G>A, p.Ala284Thr (NM_001407063.1, NM_001407064.1, NM_181830.3 and 1 more transcripts); c.565G>A, p.Ala189Thr (NM_001407065.1); and 2 more; short protein forms A284T, A322T, A281T, A325T, A329T, A189T, A367T, A290T.
Identifiers: ClinVar variation 3649565 (VCV003649565.3).
Genomic context (GRCh38, chr22:29,671,925, plus strand): 5'-GAGGAGGCTGAACGCACGAGGGATGAGTTGGAGAGGAGGCTGCTGCAGATGAAAGAAGAA[G>A]CAACAATGGCCAACGAAGCACTGGTGATTTCTGAGGGGCTGGGGTTCCAGGAGGCTACTT-3'
Protein context (NP_000259.1, residues 357-377): ERRLLQMKEE[Ala367Thr]TMANEALMRS